The following is an entry in ClinVar:

NM_001148.6(ANK2):c.3176T>C (p.Leu1059Ser)

Gene: ANK2 (ankyrin 2; plus strand). Cytogenetic location: 4q26.
Variant type: single nucleotide variant.
Coding change: c.3176T>C on transcript NM_001148.6 (MANE Select); coding-DNA position 3176, T replaced by C.
Protein change: p.Leu1059Ser; replaces leucine 1059 with serine.
Molecular consequence: missense variant. On other transcripts: intron variant (42).
Genome position (GRCh38, 1-based): chr4:113,332,022, T>C. VCF-style: chr4-113332022-T-C. GRCh37 (hg19) VCF-style: chr4-114253178-T-C.
Other names: c.3149T>C, p.Leu1050Ser (NM_001127493.3); c.3188T>C, p.Leu1063Ser (NM_001354225.2); c.3218T>C, p.Leu1073Ser (NM_001354231.2, NM_001354242.2); c.3212T>C, p.Leu1071Ser (NM_001354232.2); c.3173T>C, p.Leu1058Ser (NM_001354235.2, NM_001354246.2, NM_001354265.2); c.3254T>C, p.Leu1085Ser (NM_001354237.2); c.3146T>C, p.Leu1049Ser (NM_001354239.2, NM_001354252.2); c.3221T>C, p.Leu1074Ser (NM_001354240.2, NM_001354241.2, NM_001386144.1); and 28 more; short protein forms L1050S, L1059S, L1071S, L1049S, L1073S, L1074S, L1037S, L1038S.
Identifiers: ClinVar variation 526941 (VCV000526941.6), dbSNP rs45541631, ClinGen allele CA3050791.
Genomic context (GRCh38, chr4:113,332,022, plus strand): 5'-ATGTACTCAGTAAACTTCACCTGCCAACGGCTCCTCCCCCACTTAATGAGGGAGAAAGTT[T>C]GGTCAGCCGCATTCTTCAGCTGGGGCCTCCTGGAACCAAATTCCTTGGGTAGGAGTGACT-3'
Protein context (NP_001139.3, residues 1049-1069): APPPLNEGES[Leu1059Ser]VSRILQLGPP

ClinVar aggregate classification (germline): Uncertain significance. Review status: criteria provided, multiple submitters, no conflicts (2 of 4 stars). 3 submissions from 3 submitters: Uncertain significance (3). Last evaluated 2026-02-18.

Conditions:
Cardiovascular phenotype. Identifiers: MedGen CN230736.
Long QT syndrome (LQTS). Identifiers: MedGen C0023976, MeSH D008133, MONDO:0002442. Disease mechanism: loss of function. Inheritance: Various modes of inheritance.

Allele frequency attached by ClinVar (database versions not stated): gnomAD exomes 0.00001 and below 0.00001; gnomAD 0.00003 and 0.00004; ExAC 0.00001; TOPMed 0.00002.

Submissions (3):

GeneDx
Classification: Uncertain significance. Last evaluated: 2026-02-18. Review status: criteria provided, single submitter. Criteria: GeneDx Variant Classification Process June 2021. Collection method: clinical testing. Allele origin: germline.
Comment: Not observed at significant frequency in large population cohorts (gnomAD); In silico analysis supports that this missense variant has a deleterious effect on protein structure/function; Has not been previously published as pathogenic or benign to our knowledge

Labcorp Genetics (formerly Invitae), Labcorp
Classification: Uncertain significance for Long QT syndrome. Last evaluated: 2025-05-23. Review status: criteria provided, single submitter. Criteria: Invitae Variant Classification Sherloc (09022015). Collection method: clinical testing. Allele origin: germline.
Comment: This sequence change replaces leucine, which is neutral and non-polar, with serine, which is neutral and polar, at codon 1059 of the ANK2 protein (p.Leu1059Ser). This variant is present in population databases (rs45541631, gnomAD 0.02%). This variant has not been reported in the literature in individuals affected with ANK2-related conditions. ClinVar contains an entry for this variant (Variation ID: 526941). An algorithm developed to predict the effect of missense changes on protein structure and function (PolyPhen-2) suggests that this variant is likely to be disruptive. In summary, the available evidence is currently insufficient to determine the role of this variant in disease. Therefore, it has been classified as a Variant of Uncertain Significance.

Ambry Genetics
Classification: Uncertain significance for Cardiovascular phenotype. Last evaluated: 2023-12-01. Review status: criteria provided, single submitter. Criteria: Ambry Variant Classification Scheme 2023. Collection method: clinical testing. Allele origin: germline.
Comment: The p.L1059S variant (also known as c.3176T>C), located in coding exon 28 of the ANK2 gene, results from a T to C substitution at nucleotide position 3176. The leucine at codon 1059 is replaced by serine, an amino acid with dissimilar properties. This amino acid position is highly conserved in available vertebrate species. In addition, this alteration is predicted to be deleterious by in silico analysis. Since supporting evidence is limited at this time, the clinical significance of this alteration remains unclear.